The following is an entry in ClinVar:

ClinVar aggregate classification (germline): Pathogenic (1 of 4 stars; one submission).

Conditions:
Bethlem myopathy 1A. Also called: Bethlem Muscular Dystrophy; Bethlem myopathy 1; MYOPATHY, BENIGN CONGENITAL, WITH CONTRACTURES. Identifiers: Orphanet 610, MedGen CN029274, MONDO:0024530, OMIM 158810.

Submission:

Labcorp Genetics (formerly Invitae), Labcorp
Classification: Pathogenic for Bethlem myopathy 1A. Last evaluated: 2024-12-20. Review status: criteria provided, single submitter. Criteria: Invitae Variant Classification Sherloc (09022015). Collection method: clinical testing. Allele origin: germline.
Comment: This sequence change falls in intron 19 of the COL6A3 gene. It does not directly change the encoded amino acid sequence of the COL6A3 protein. It affects a nucleotide within the consensus splice site. This variant is not present in population databases (gnomAD no frequency). This variant has been observed in individual(s) with muscular dystrophy (internal data). In at least one individual the variant was observed to be de novo. ClinVar contains an entry for this variant (Variation ID: 970305). Variants that disrupt the consensus splice site are a relatively common cause of aberrant splicing (PMID: 17576681, 9536098). Algorithms developed to predict the effect of sequence changes on RNA splicing suggest that this variant may disrupt the consensus splice site. For these reasons, this variant has been classified as Pathogenic.

Literature cited by the submitters: PubMed 17576681; PubMed 9536098.

NM_004369.4(COL6A3):c.6355-2dup

Gene: COL6A3 (collagen type VI alpha 3 chain; minus strand). Cytogenetic location: 2q37.3.
Variant type: Duplication.
Coding change: c.6355-2dup on transcript NM_004369.4 (MANE Select); the canonical splice acceptor site of the intron before coding-DNA position 6355, one base duplicated (A; older notation c.6355-2dupA).
Molecular consequence: splice acceptor variant.
Genome position (GRCh38, 1-based): chr2:237,359,090, T duplicated on the plus strand (A on the coding strand, the reverse complement: COL6A3 is on the minus strand). VCF-style (leftmost placement, unchanged base first): chr2-237359089-C-CT. GRCh37 (hg19) VCF-style: chr2-238267732-C-CT.
Other names: c.4534-2dup (NM_057166.5); c.5737-2dup (NM_057167.4).
Identifiers: ClinVar variation 970305 (VCV000970305.10), dbSNP rs2077379376, ClinGen allele CA1139657795.